The following is an entry in ClinVar:

NM_001165963.4(SCN1A):c.4573C>T (p.Arg1525Ter)

Genes: SCN1A (sodium voltage-gated channel alpha subunit 1; minus strand), LOC102724058 (uncharacterized LOC102724058; plus strand). Cytogenetic location: 2q24.3.
Variant type: single nucleotide variant.
Coding change: c.4573C>T on transcript NM_001165963.4 (MANE Select); coding-DNA position 4573, C replaced by T.
Protein change: p.Arg1525Ter; replaces arginine 1525 with a stop codon.
Molecular consequence: nonsense. On other transcripts: non-coding transcript variant (1).
Genome position (GRCh38, 1-based): chr2:165,996,021, G>A on the plus strand (C>T on the coding strand, the complement: SCN1A is on the minus strand). VCF-style: chr2-165996021-G-A. GRCh37 (hg19) VCF-style: chr2-166852531-G-A.
Other names: p.R1525*:CGA>TGA; c.4489C>T, p.Arg1497Ter (NM_001165964.3, NM_001353957.2, NM_001353958.2); c.4573C>T, p.Arg1525Ter (NM_001202435.3, NM_001353948.2); c.4540C>T, p.Arg1514Ter (NM_001353949.2, NM_001353950.2, NM_001353951.2 and 2 more transcripts); c.4537C>T, p.Arg1513Ter (NM_001353954.2, NM_001353955.2); c.4486C>T, p.Arg1496Ter (NM_001353960.2); c.2131C>T, p.Arg711Ter (NM_001353961.2); c.4573C>T (NM_001202435.1); short protein forms R1514*, R1525*, R1513*, R1496*, R1497*, R711*.
Identifiers: ClinVar variation 189911 (VCV000189911.17), dbSNP rs794726752, ClinGen allele CA303282.

ClinVar aggregate classification (germline): Pathogenic. Review status: criteria provided, multiple submitters, no conflicts (2 of 4 stars). 7 submissions from 7 submitters: Pathogenic (5). 2 of the submissions do not count toward it. Last evaluated 2025-04-17.

Conditions:
SCN1A-related disorder. Also called: SCN1A-related disorders; SCN1A-related conditions; SCN1A-related condition.
Early-infantile DEE. Also called: Early infantile epileptic encephalopathy; Early infantile epileptic encephalopathy with suppression bursts; Ohtahara syndrome. Identifiers: Orphanet 1934, MedGen C0393706, MONDO:0800491.
Severe myoclonic epilepsy in infancy (DRVT). Also called: Dravet syndrome; Epileptic encephalopathy, early infantile, 6 (Dravet syndrome); DEVELOPMENTAL AND EPILEPTIC ENCEPHALOPATHY 6A; Severe Myoclonic Epilepsy in Infancy (SMEI); SEVERE MYOCLONIC EPILEPSY OF INFANCY. Identifiers: Orphanet 33069, MedGen C0751122, MONDO:0100135, OMIM 607208.

Submissions (7):

3billion
Classification: Pathogenic for SCN1A-related disorder. Last evaluated: 2025-04-17. Review status: criteria provided, single submitter. Criteria: ACMG Guidelines, 2015. Collection method: clinical testing. Allele origin: germline. Affected: yes.

Labcorp Genetics (formerly Invitae), Labcorp
Classification: Pathogenic for Early-infantile DEE. Last evaluated: 2023-11-13. Review status: criteria provided, single submitter. Criteria: Invitae Variant Classification Sherloc (09022015). Collection method: clinical testing. Allele origin: germline.
Comment: This sequence change creates a premature translational stop signal (p.Arg1525*) in the SCN1A gene. It is expected to result in an absent or disrupted protein product. Loss-of-function variants in SCN1A are known to be pathogenic (PMID: 17347258, 18930999). This variant is not present in population databases (gnomAD no frequency). This premature translational stop signal has been observed in individual(s) with SCN1A-related conditions (PMID: 16458823, 27465585, 28079314). In at least one individual the variant was observed to be de novo. ClinVar contains an entry for this variant (Variation ID: 189911). Algorithms developed to predict the effect of sequence changes on RNA splicing suggest that this variant may disrupt the consensus splice site. For these reasons, this variant has been classified as Pathogenic.

Athena Diagnostics
Classification: Pathogenic. Last evaluated: 2023-03-31. Review status: criteria provided, single submitter. Criteria: Athena Diagnostics Criteria. Collection method: clinical testing. Allele origin: unknown.
Comment: This variant is expected to result in the loss of a functional protein. This variant has been identified in multiple unrelated individuals with Dravet syndrome and severe myoclonic epilepsy of infancy (SMEI) and has been confirmed to occur de novo in multiple individuals. This variant has not been reported in large, multi-ethnic general populations.

GeneDx
Classification: Pathogenic. Last evaluated: 2016-06-29. Review status: criteria provided, single submitter. Criteria: GeneDx Variant Classification (06012015). Collection method: clinical testing. Allele origin: germline. Affected: yes.
Comment: The Arg1525Stop variant in the SCN1A gene has been reported in several individuals with SCN1A-related disorders (Kearney et al., 2006; Harkin et al., 2007). This variant is predicted to cause loss of normal protein function through protein truncation or nonsense-mediated mRNA decay. This variant has been seen apparently mosaic.

Center for Bioinformatics, Peking University
Classification: Pathogenic for Dravet syndrome. Last evaluated: 2014-12-20. Review status: criteria provided, single submitter. Criteria: Xu et al. (Hum Mutat. 2015). Collection method: research. Allele origin: de novo. Affected: yes. Observed: 2 variant alleles. Study: University Clinical Cooperation “985 Project” PKU-2014-1-1.
Comment: Dravet syndrome (DS) probands were recruited from the outpatient and inpatient child neurology units of Peking University First Hospital from 2005 till present. The study was approved by the Ethics Committee of Peking University First Hospital and the Institutional Review Board at Peking University. Participants or their parents provided written informed consent before enrollment. We collected a total of 267 mutations from 255 families with probands diagnosed with DS in China. All probands fulfilled the clinical diagnostic criteria.

Genome Diagnostics Laboratory, Amsterdam University Medical Center
Classification: Pathogenic. Review status: no assertion criteria provided. Collection method: clinical testing. Allele origin: germline. Affected: yes. Study: VKGL Data-share Consensus. Not counted in ClinVar's aggregate classification.

Genome Diagnostics Laboratory, University Medical Center Utrecht
Classification: Pathogenic. Review status: no assertion criteria provided. Collection method: clinical testing. Allele origin: germline. Affected: yes. Study: VKGL Data-share Consensus. Not counted in ClinVar's aggregate classification.

Literature cited by the submitters: PubMed 16458823 (cited by 3 submitters); PubMed 17347258 (cited by Labcorp Genetics (formerly Invitae), Labcorp and Athena Diagnostics); PubMed 18930999 (cited by Labcorp Genetics (formerly Invitae), Labcorp and Athena Diagnostics); PubMed 27465585 (cited by Labcorp Genetics (formerly Invitae), Labcorp and Athena Diagnostics); PubMed 28079314 (cited by Labcorp Genetics (formerly Invitae), Labcorp and Athena Diagnostics); PubMed 21248271 (cited by Athena Diagnostics); PubMed 19522081 (cited by Athena Diagnostics); PubMed 20879882 (cited by Athena Diagnostics); PubMed 28837158 (cited by Athena Diagnostics); PubMed 23195492 (cited by Athena Diagnostics); PubMed 29981888 (cited by Athena Diagnostics); PubMed 32090326 (cited by Athena Diagnostics); PubMed 35074891 (cited by Athena Diagnostics); PubMed 31031587 (cited by Athena Diagnostics).